The following is an entry in ClinVar:

NM_004304.5(ALK):c.473C>T (p.Pro158Leu)

Gene: ALK (ALK receptor tyrosine kinase; minus strand). Cytogenetic location: 2p23.1.
Variant type: single nucleotide variant.
Coding change: c.473C>T on transcript NM_004304.5 (MANE Select); coding-DNA position 473, C replaced by T.
Protein change: p.Pro158Leu; replaces proline 158 with leucine.
Molecular consequence: missense variant.
Genome position (GRCh38, 1-based): chr2:29,920,187, G>A on the plus strand (C>T on the coding strand, the complement: ALK is on the minus strand). VCF-style: chr2-29920187-G-A. GRCh37 (hg19) VCF-style: chr2-30143053-G-A.
Other names: short protein forms P158L.
Identifiers: ClinVar variation 4843258 (VCV004843258.1).

ClinVar aggregate classification (germline): Uncertain significance (1 of 4 stars; one submission).

Conditions:
Hereditary cancer-predisposing syndrome. Also called: Neoplastic Syndromes, Hereditary; Tumor predisposition; Hereditary Cancer Syndrome; Hereditary neoplastic syndrome. Identifiers: Orphanet 140162, MedGen C0027672, MeSH D009386, MONDO:0015356.

Submission:

Ambry Genetics
Classification: Uncertain significance for Hereditary cancer-predisposing syndrome. Last evaluated: 2026-01-03. Review status: criteria provided, single submitter. Criteria: Ambry Variant Classification Scheme 2023. Collection method: clinical testing. Allele origin: germline.
Comment: The p.P158L variant (also known as c.473C>T), located in coding exon 1 of the ALK gene, results from a C to T substitution at nucleotide position 473. The proline at codon 158 is replaced by leucine, an amino acid with similar properties. This amino acid position is conserved. In addition, the in silico prediction for this alteration is inconclusive. Based on the available evidence, the clinical significance of this variant remains unclear.